The following is an entry in ClinVar:

ClinVar aggregate classification (germline): Uncertain significance (1 of 4 stars; one submission).

Allele frequency attached by ClinVar (database versions not stated): gnomAD 0.00001.
gnomAD v4.1: 6 of 1,613,902 alleles (0.00037%); highest among the groups gnomAD compares: South Asian, 0.0044%; no homozygotes.

Submission:

Ambry Genetics
Classification: Uncertain significance. Last evaluated: 2022-04-26. Review status: criteria provided, single submitter. Criteria: Ambry Variant Classification Scheme 2023. Collection method: clinical testing. Allele origin: germline.
Comment: The p.K1148N variant (also known as c.3444G>T), located in coding exon 17 of the NPAT gene, results from a G to T substitution at nucleotide position 3444. The lysine at codon 1148 is replaced by asparagine, an amino acid with similar properties. This amino acid position is conserved. In addition, this alteration is predicted to be tolerated by in silico analysis. Since supporting evidence is limited at this time, the clinical significance of this alteration remains unclear.

NM_002519.3(NPAT):c.3444G>T (p.Lys1148Asn)

Gene: NPAT (nuclear protein, coactivator of histone transcription; minus strand). Cytogenetic location: 11q22.3.
Variant type: single nucleotide variant.
Coding change: c.3444G>T on transcript NM_002519.3 (MANE Select); coding-DNA position 3444, G replaced by T.
Protein change: p.Lys1148Asn; replaces lysine 1148 with asparagine.
Molecular consequence: missense variant.
Genome position (GRCh38, 1-based): chr11:108,161,642, C>A on the plus strand (G>T on the coding strand, the complement: NPAT is on the minus strand). VCF-style: chr11-108161642-C-A. GRCh37 (hg19) VCF-style: chr11-108032369-C-A.
Other names: c.3465G>T, p.Lys1155Asn (NM_001321307.1); short protein forms K1155N, K1148N.
Identifiers: ClinVar variation 1731496 (VCV001731496.2), dbSNP rs1290396569, ClinGen allele CA382510799.